The following is an entry in ClinVar:

ClinVar aggregate classification (germline): Pathogenic (1 of 4 stars; one submission).

Conditions:
3-methylcrotonyl-CoA carboxylase 1 deficiency (MCC1D). Also called: MCCD TYPE 1; METHYLCROTONYLGLYCINURIA TYPE I; MCC 1 deficiency; 3 Alpha methylcrotonylglycinuria 1. Identifiers: Orphanet 6, MedGen CN028786, MONDO:0008861, OMIM 210200.

Submission:

Labcorp Genetics (formerly Invitae), Labcorp
Classification: Pathogenic for 3-methylcrotonyl-CoA carboxylase 1 deficiency. Last evaluated: 2023-12-30. Review status: criteria provided, single submitter. Criteria: Invitae Variant Classification Sherloc (09022015). Collection method: clinical testing. Allele origin: germline.
Comment: This sequence change creates a premature translational stop signal (p.Asn17Thrfs*23) in the MCCC1 gene. It is expected to result in an absent or disrupted protein product. Loss-of-function variants in MCCC1 are known to be pathogenic (PMID: 11181649, 15359379, 22642865). This variant is not present in population databases (gnomAD no frequency). This variant has not been reported in the literature in individuals affected with MCCC1-related conditions. For these reasons, this variant has been classified as Pathogenic.

Literature cited by the submitters: PubMed 11181649; PubMed 15359379; PubMed 22642865.

NM_020166.5(MCCC1):c.48del (p.Asn17fs)

Gene: MCCC1 (methylcrotonyl-CoA carboxylase subunit 1; minus strand). Cytogenetic location: 3q27.1.
Variant type: Deletion.
Coding change: c.48del on transcript NM_020166.5 (MANE Select); coding-DNA position 48, one base deleted (G; older notation c.48delG).
Protein change: p.Asn17fs; shifts the reading frame from asparagine 17.
Molecular consequence: frameshift variant. On other transcripts: 5 prime UTR variant (2), non-coding transcript variant (1).
Genome position (GRCh38, 1-based): chr3:183,099,393, C deleted on the plus strand (G on the coding strand, the reverse complement: MCCC1 is on the minus strand); the first of 2 consecutive C bases (chr3:183,099,393-183,099,394); deleting either gives the same sequence. VCF-style (leftmost placement, unchanged base first): chr3-183099392-TC-T. GRCh37 (hg19) VCF-style: chr3-182817180-TC-T.
Other names: c.-45del (NM_001293273.2); c.-143del (NM_001363880.1); short protein forms N17fs.
Identifiers: ClinVar variation 2706499 (VCV002706499.3), dbSNP rs2530560048, ClinGen allele CA2697557019.